The following is an entry in ClinVar:

NM_024649.5(BBS1):c.1131_1135del (p.Cys377fs)

Genes: BBS1 (Bardet-Biedl syndrome 1; plus strand), ZDHHC24 (zDHHC palmitoyltransferase 24; minus strand). Cytogenetic location: 11q13.2.
Variant type: Microsatellite.
Coding change: c.1131_1135del on transcript NM_024649.5 (MANE Select); coding-DNA positions 1131 to 1135, 5 bases deleted (CTTTG; older notation c.1131_1135delCTTTG).
Protein change: p.Cys377fs; shifts the reading frame from cysteine 377.
Molecular consequence: frameshift variant. On other transcripts: intron variant (1).
Genome position (GRCh38, 1-based): chr11:66,526,143-66,526,147, CTTTG deleted; deleting any 5 consecutive bases within chr11:66,526,138-66,526,147 gives the same sequence; the c. name uses the placement nearest the transcript's 3' end. VCF-style (leftmost placement, unchanged base first): chr11-66526137-CCTTTG-C. GRCh37 (hg19) VCF-style: chr11-66293608-CCTTTG-C.
Other names: c.1131_1135delCTTTG (NM_024649.4); c.1131_1135del (NM_024649.4); c.*21+794_*21+798del (NM_001348571.2); short protein forms C377fs.
Identifiers: ClinVar variation 189103 (VCV000189103.10), dbSNP rs786204701, ClinGen allele CA274383.

ClinVar aggregate classification (germline): Pathogenic/Likely pathogenic. Review status: criteria provided, multiple submitters, no conflicts (2 of 4 stars). 6 submissions from 6 submitters: Pathogenic (4); Likely pathogenic (1). 1 of the submissions does not count toward it. Last evaluated 2024-10-03.

Conditions:
Retinal dystrophy. Also called: Inherited retinal dystrophy. Identifiers: Orphanet 71862, MedGen C0854723, MeSH D058499, MONDO:0019118, HP:0000556.
Bardet-Biedl syndrome (BBS). Identifiers: Orphanet 110, MedGen C0752166, MONDO:0015229.
Bardet-Biedl syndrome 1 (BBS1). Identifiers: MedGen C2936862, MONDO:0008854, OMIM 209900. Disease mechanism: loss of function.

Submissions (6):

Natera, Inc.
Classification: Pathogenic for Bardet-Biedl syndrome type 1. Last evaluated: 2024-10-03. Review status: criteria provided, single submitter. Criteria: Natera Variant Classification Schema (03/2026). Collection method: clinical testing. Allele origin: germline.
Comment: The c.1131_1135del variant in BBS1 is a frameshift variant predicted to shift the reading frame beginning at codon 377 and leads to a stop codon 36 codons downstream. This variant is expected to result in nonsense mediated decay, truncation, or a dysfunctional protein product. This variant is rare in the general population with a frequency below the threshold expected for the associated phenotype(s). This variant has been observed in one or more individuals affected with the associated recessive disease, as either homozygous or compound heterozygous with a second variant (PMID: 12524598, 23143442). Given the available evidence, this variant is classified as Pathogenic.

Labcorp Genetics (formerly Invitae), Labcorp
Classification: Pathogenic for Bardet-Biedl syndrome. Last evaluated: 2023-09-27. Review status: criteria provided, single submitter. Criteria: Invitae Variant Classification Sherloc (09022015). Collection method: clinical testing. Allele origin: germline.
Comment: This premature translational stop signal has been observed in individual(s) with clinical features of Bardet-Biedl syndrome (PMID: 12524598, 23143442). This variant is also known as c.1130_1134del. ClinVar contains an entry for this variant (Variation ID: 189103). For these reasons, this variant has been classified as Pathogenic. This sequence change creates a premature translational stop signal (p.Cys377Trpfs*36) in the BBS1 gene. It is expected to result in an absent or disrupted protein product. Loss-of-function variants in BBS1 are known to be pathogenic (PMID: 12118255, 21520335, 27032803). This variant is present in population databases (rs786204701, gnomAD 0.002%).

Institute of Human Genetics, Univ. Regensburg, Univ. Regensburg
Classification: Pathogenic for Retinal dystrophy. Last evaluated: 2022-01-01. Review status: criteria provided, single submitter. Criteria: ACMG Guidelines, 2015. Collection method: clinical testing. Allele origin: germline. Affected: yes.

Women's Health and Genetics/Laboratory Corporation of America, LabCorp
Classification: Likely pathogenic for Bardet-Biedl syndrome. Last evaluated: 2018-08-06. Review status: criteria provided, single submitter. Criteria: LabCorp Variant Classification Summary - May 2015. Collection method: clinical testing. Allele origin: germline.
Comment: Variant summary: BBS1 c.1131_1135delCTTTG (p.Cys377TrpfsX36) results in a premature termination codon, predicted to cause a truncation of the encoded protein or absence of the protein due to nonsense mediated decay, which are commonly known mechanisms for disease. One truncation downstream of this position has been classified as pathogenic by our laboratory (c.1645G>T, p.Glu549X). The variant allele was found at a frequency of 8.1e-06 in 246256 control chromosomes (gnomAD). The variant, c.1131_1135delCTTTG, has been reported in the literature in an individual affected with Bardet-Biedl Syndrome (Mykytyn_2003) but also in patients with non-syndromic retinitis pigmentosa and Leber congenital amaurosis (Estrada-Cuzcano_2012, Haer-Wigman_2017). These data indicate that the variant may be associated with disease. To our knowledge, no experimental evidence demonstrating an impact on protein function has been reported. No clinical diagnostic laboratories have submitted clinical-significance assessments for this variant to ClinVar after 2014. Based on the evidence outlined above, the variant was classified as likely pathogenic.

GeneDx
Classification: Pathogenic. Last evaluated: 2018-06-08. Review status: criteria provided, single submitter. Criteria: GeneDx Variant Classification (06012015). Collection method: clinical testing. Allele origin: germline. Affected: yes.
Comment: The c.1131_1135delCTTTG variant in the BBS1 gene has been reported previously using alternate nomenclature (c.1130_1134del) in association with autosomal recessive Bardet-Biedl syndrome (Mykytyn et al., 2003; Estrada-Cuzcano et al., 2012). The c.1131_1135delCTTTG variant causes a frameshift starting with codon Cysteine 377, changes this amino acid to a Tryptophan residue, and creates a premature Stop codon at position 36 of the new reading frame, denoted p.Cys377TrpfsX36. This variant is predicted to cause loss of normal protein function either through protein truncation or nonsense-mediated mRNA decay. The c.1131_1135delCTTTG variant is not observed at a significant frequency in large population cohorts (Lek et al., 2016). We interpret c.1131_1135delCTTTG as a pathogenic variant.

Counsyl
Classification: Likely pathogenic for Bardet-Biedl syndrome. Last evaluated: 2014-12-23. Review status: no assertion criteria provided. Collection method: literature only. Allele origin: unknown. Inheritance: Autosomal recessive inheritance. Not counted in ClinVar's aggregate classification.

Literature cited by the submitters: PubMed 12524598 (cited by 5 submitters); PubMed 23143442 (cited by 5 submitters); PubMed 12118255 (cited by Labcorp Genetics (formerly Invitae), Labcorp); PubMed 21520335 (cited by Labcorp Genetics (formerly Invitae), Labcorp); PubMed 27032803 (cited by Labcorp Genetics (formerly Invitae), Labcorp); PubMed 28224992 (cited by Institute of Human Genetics, Univ. Regensburg, Univ. Regensburg and Women's Health and Genetics/Laboratory Corporation of America, LabCorp); PubMed 31964843 (cited by Institute of Human Genetics, Univ. Regensburg, Univ. Regensburg).